The following is an entry in ClinVar:

ClinVar aggregate classification (germline): Uncertain significance (1 of 4 stars; one submission).

Allele frequency attached by ClinVar (database versions not stated): TOPMed below 0.00001; gnomAD exomes below 0.00001.
gnomAD v4.1: 4 of 1,613,818 alleles (0.00025%); highest among the groups gnomAD compares: Non-Finnish European, 0.00025%; no homozygotes.

Submission:

Labcorp Genetics (formerly Invitae), Labcorp
Classification: Uncertain significance. Last evaluated: 2025-03-09. Review status: criteria provided, single submitter. Criteria: Invitae Variant Classification Sherloc (09022015). Collection method: clinical testing. Allele origin: germline.
Comment: This sequence change replaces threonine, which is neutral and polar, with alanine, which is neutral and non-polar, at codon 414 of the ALPK3 protein (p.Thr414Ala). This variant is not present in population databases (gnomAD no frequency). This variant has not been reported in the literature in individuals affected with ALPK3-related conditions. ClinVar contains an entry for this variant (Variation ID: 2813978). An algorithm developed to predict the effect of missense changes on protein structure and function outputs the following: PolyPhen-2: "Benign". The alanine amino acid residue is found in multiple mammalian species, which suggests that this missense change does not adversely affect protein function. In summary, the available evidence is currently insufficient to determine the role of this variant in disease. Therefore, it has been classified as a Variant of Uncertain Significance.

NM_020778.5(ALPK3):c.634A>G (p.Thr212Ala)

Gene: ALPK3 (alpha kinase 3; plus strand). Cytogenetic location: 15q25.3.
Variant type: single nucleotide variant.
Coding change: c.634A>G on transcript NM_020778.5 (MANE Select); coding-DNA position 634, A replaced by G.
Protein change: p.Thr212Ala; replaces threonine 212 with alanine.
Molecular consequence: missense variant.
Genome position (GRCh38, 1-based): chr15:84,839,913, A>G. VCF-style: chr15-84839913-A-G. GRCh37 (hg19) VCF-style: chr15-85383144-A-G.
Other names: short protein forms T212A.
Identifiers: ClinVar variation 2813978 (VCV002813978.3), dbSNP rs1963638254, ClinGen allele CA393373182.
Genomic context (GRCh38, chr15:84,839,913, plus strand): 5'-AAGCTGCGCGAGATCGAGCAGAGCTGGAAGCACGAGAAGGCGGTGCCTGGGGAGGTCGAC[A>G]CTCTGCGCAAGCTCAGCCCCGACCGCTTCCAGCGAAAGCGGCGATTGAGCGGGGCTCAAG-3'
Protein context (NP_065829.4, residues 202-222): HEKAVPGEVD[Thr212Ala]LRKLSPDRFQ